The following is an entry in ClinVar:

NM_020975.6(RET):c.1921G>T (p.Ala641Ser)

Gene: RET (ret proto-oncogene; plus strand). Cytogenetic location: 10q11.21.
Variant type: single nucleotide variant.
Coding change: c.1921G>T on transcript NM_020975.6 (MANE Select); coding-DNA position 1921, G replaced by T.
Protein change: p.Ala641Ser; replaces alanine 641 with serine.
Molecular consequence: missense variant.
Genome position (GRCh38, 1-based): chr10:43,114,521, G>T. VCF-style: chr10-43114521-G-T. GRCh37 (hg19) VCF-style: chr10-43609969-G-T.
Other names: c.1921G>T, p.Ala641Ser (NM_000323.2, NM_001406743.1, NM_001406744.1 and 4 more transcripts); c.1159G>T, p.Ala387Ser (NM_001355216.2); c.1792G>T, p.Ala598Ser (NM_001406761.1, NM_001406762.1, NM_001406764.1); c.1633G>T, p.Ala545Ser (NM_001406766.1, NM_001406767.1, NM_001406770.1); c.1525G>T, p.Ala509Ser (NM_001406769.1, NM_001406772.1); c.1483G>T, p.Ala495Ser (NM_001406771.1, NM_001406773.1); c.1396G>T, p.Ala466Ser (NM_001406774.1); c.1195G>T, p.Ala399Ser (NM_001406775.1, NM_001406776.1, NM_001406777.1 and 1 more transcripts); and 7 more; short protein forms A387S, A158S, A206S, A299S, A311S, A246S, A302S, A399S.
Identifiers: ClinVar variation 549833 (VCV000549833.12), dbSNP rs377767411, ClinGen allele CA008442.

ClinVar aggregate classification (germline): Uncertain significance. Review status: criteria provided, multiple submitters, no conflicts (2 of 4 stars). 4 submissions from 4 submitters: Uncertain significance (3). 1 of the submissions does not count toward it. Last evaluated 2025-07-17.

Conditions:
RET-related disorder. Also called: RET-related disorders; RET-related condition; RET-related disease.
Hereditary cancer-predisposing syndrome. Also called: Hereditary Cancer Syndrome; Hereditary neoplastic syndrome; Tumor predisposition; Neoplastic Syndromes, Hereditary. Identifiers: Orphanet 140162, MedGen C0027672, MeSH D009386, MONDO:0015356.
Multiple endocrine neoplasia, type 2 (MEN2). Identifiers: Orphanet 653, MedGen C4048306, MONDO:0019003. Disease mechanism: gain of function.

gnomAD v4.1: 4 of 1,609,224 alleles (0.00025%); highest among the groups gnomAD compares: Non-Finnish European, 0.00034%; no homozygotes.

Submissions (4):

Ambry Genetics
Classification: Uncertain significance for Hereditary cancer-predisposing syndrome. Last evaluated: 2025-07-17. Review status: criteria provided, single submitter. Criteria: Ambry Variant Classification Scheme 2023. Collection method: clinical testing. Allele origin: germline.
Comment: The p.A641S variant (also known as c.1921G>T), located in coding exon 11 of the RET gene, results from a G to T substitution at nucleotide position 1921. The alanine at codon 641 is replaced by serine, an amino acid with similar properties. This amino acid position is well conserved in available vertebrate species. In addition, this alteration is predicted to be deleterious by in silico analysis. Based on the available evidence, the clinical significance of this variant remains unclear.

Labcorp Genetics (formerly Invitae), Labcorp
Classification: Uncertain significance for Multiple endocrine neoplasia, type 2. Last evaluated: 2025-04-24. Review status: criteria provided, single submitter. Criteria: Invitae Variant Classification Sherloc (09022015). Collection method: clinical testing. Allele origin: germline.
Comment: This sequence change replaces alanine, which is neutral and non-polar, with serine, which is neutral and polar, at codon 641 of the RET protein (p.Ala641Ser). This variant is not present in population databases (gnomAD no frequency). This missense change has been observed in individual(s) with clinical features of multiple endocrine neoplasia type 2 (PMID: 15592804). ClinVar contains an entry for this variant (Variation ID: 549833). An algorithm developed to predict the effect of missense changes on protein structure and function (PolyPhen-2) suggests that this variant is likely to be disruptive. Experimental studies have shown that this missense change does not substantially affect RET function (PMID: 23067224). In summary, the available evidence is currently insufficient to determine the role of this variant in disease. Therefore, it has been classified as a Variant of Uncertain Significance.

All of Us Research Program, National Institutes of Health
Classification: Uncertain significance for Multiple endocrine neoplasia, type 2. Last evaluated: 2023-12-13. Review status: criteria provided, single submitter. Criteria: ACMG Guidelines, 2015. Collection method: clinical testing. Allele origin: germline. Inheritance: Autosomal dominant inheritance. Observed: 1 variant allele, 1 heterozygote.
Comment: This missense variant replaces alanine with serine at codon 641 of the RET protein. Computational prediction is inconclusive regarding the impact of this variant on protein structure and function (internally defined REVEL score threshold 0.5 < inconclusive < 0.7, PMID: 27666373). A functional study has shown this variant does not impact RET self-association (PMID: 23067224). This variant has been reported in individuals affected with pheochromocytoma or medullary thyroid cancer (PMID: 15592804, 28043156), these individuals also carried a pathogenic co-variant in the RET gene that could explain the observed phenotype. This variant has not been identified in the general population by the Genome Aggregation Database (gnomAD). The available evidence is insufficient to determine the role of this variant in disease conclusively. Therefore, this variant is classified as a Variant of Uncertain Significance.

This study involves interpretation of variants in research participants for the purpose of population health screening. Participant phenotype was not available at the time of variant classification. Additional details can be found in publication PMID: 35346344, PMCID: PMC8962531

PreventionGenetics, part of Exact Sciences
Classification: Uncertain significance for RET-related condition. Last evaluated: 2024-02-14. Review status: no assertion criteria provided. Collection method: clinical testing. Allele origin: germline. Not counted in ClinVar's aggregate classification.
Comment: The RET c.1921G>T variant is predicted to result in the amino acid substitution p.Ala641Ser. This variant was reported in an individual with multiple endocrine neoplasia 2A, who was positive for a second RET variant, apparently on the same allele (Poturnajova et al. 2005. PubMed ID: 15592804). Functional studies suggest this variant does not impact protein function (Benej et al. 2013. PubMed ID: 23067224). This variant has not been reported in a large population database, indicating this variant is rare. At this time, the clinical significance of this variant is uncertain due to the absence of conclusive functional and genetic evidence.

Literature cited by the submitters: PubMed 15592804 (cited by 3 submitters); PubMed 23067224 (cited by 3 submitters); PubMed 28043156 (cited by Ambry Genetics and All of Us Research Program, National Institutes of Health).